The following is an entry in ClinVar:

ClinVar aggregate classification (germline): Uncertain significance (1 of 4 stars; one submission).

Submission:

Ambry Genetics
Classification: Uncertain significance. Last evaluated: 2023-05-19. Review status: criteria provided, single submitter. Criteria: Ambry Variant Classification Scheme 2023. Collection method: clinical testing. Allele origin: germline.
Comment: The p.A1286G variant (also known as c.3857C>G), located in coding exon 32 of the PRKDC gene, results from a C to G substitution at nucleotide position 3857. The alanine at codon 1286 is replaced by glycine, an amino acid with similar properties. This amino acid position is conserved. Since supporting evidence is limited at this time, the clinical significance of this alteration remains unclear.

NM_006904.7(PRKDC):c.3857C>G (p.Ala1286Gly)

Gene: PRKDC (protein kinase, DNA-activated, catalytic subunit; minus strand). Cytogenetic location: 8q11.21.
Variant type: single nucleotide variant.
Coding change: c.3857C>G on transcript NM_006904.7 (MANE Select); coding-DNA position 3857, C replaced by G.
Protein change: p.Ala1286Gly; replaces alanine 1286 with glycine.
Molecular consequence: missense variant.
Genome position (GRCh38, 1-based): chr8:47,890,471, G>C on the plus strand (C>G on the coding strand, the complement: PRKDC is on the minus strand). VCF-style: chr8-47890471-G-C. GRCh37 (hg19) VCF-style: chr8-48803032-G-C.
Other names: c.3857C>G, p.Ala1286Gly (NM_001081640.2); short protein forms A1286G.
Identifiers: ClinVar variation 2561930 (VCV002561930.2), dbSNP rs2551873987, ClinGen allele CA371149365.